The following is an entry in ClinVar:

NM_000321.3(RB1):c.1421+17T>C

Gene: RB1 (RB transcriptional corepressor 1; plus strand). Cytogenetic location: 13q14.2.
Variant type: single nucleotide variant.
Coding change: c.1421+17T>C on transcript NM_000321.3 (MANE Select); 17 bases into the intron after coding-DNA position 1421, T replaced by C.
Molecular consequence: intron variant.
Genome position (GRCh38, 1-based): chr13:48,380,101, T>C. VCF-style: chr13-48380101-T-C. GRCh37 (hg19) VCF-style: chr13-48954237-T-C.
Other names: c.1421+17T>C (NM_001407165.1, NM_001407166.1).
Identifiers: ClinVar variation 4876012 (VCV004876012.1).

ClinVar aggregate classification (germline): Benign (1 of 4 stars; one submission).

Conditions:
Retinoblastoma (RB1). Also called: RETINOBLASTOMA, SOMATIC. Identifiers: Orphanet 790, MedGen C0035335, MeSH D012175, MONDO:0008380, OMIM 180200, HP:0009919. Disease mechanism: loss of function. Inheritance: Both sporadic and heritable forms are tested..

gnomAD v4.1: 5 of 1,430,182 alleles (0.00035%); highest among the groups gnomAD compares: African/African-American, 0.0073%; no homozygotes.

Submission:

Myriad Genetics, Inc.
Classification: Benign for Retinoblastoma. Last evaluated: 2026-06-24. Review status: criteria provided, single submitter. Criteria: Myriad Autosomal Dominant, Autosomal Recessive and X-Linked Classification Criteria (2023). Collection method: clinical testing. Allele origin: unknown.
Comment: This variant is considered benign. This variant is intronic and is not expected to impact mRNA splicing.